The following is an entry in ClinVar:

NM_024928.5(STN1):c.434G>T (p.Arg145Leu)

Gene: STN1 (STN1 subunit of CST complex; minus strand). Cytogenetic location: 10q24.33.
Variant type: single nucleotide variant.
Coding change: c.434G>T on transcript NM_024928.5 (MANE Select); coding-DNA position 434, G replaced by T.
Protein change: p.Arg145Leu; replaces arginine 145 with leucine.
Molecular consequence: missense variant.
Genome position (GRCh38, 1-based): chr10:103,900,085, C>A on the plus strand (G>T on the coding strand, the complement: STN1 is on the minus strand). VCF-style: chr10-103900085-C-A. GRCh37 (hg19) VCF-style: chr10-105659843-C-A.
Other names: short protein forms R145L.
Identifiers: ClinVar variation 3643771 (VCV003643771.2).

ClinVar aggregate classification (germline): Uncertain significance (1 of 4 stars; one submission).

Submission:

Labcorp Genetics (formerly Invitae), Labcorp
Classification: Uncertain significance. Last evaluated: 2024-02-29. Review status: criteria provided, single submitter. Criteria: Invitae Variant Classification Sherloc (09022015). Collection method: clinical testing. Allele origin: germline.
Comment: This sequence change replaces arginine, which is basic and polar, with leucine, which is neutral and non-polar, at codon 145 of the STN1 protein (p.Arg145Leu). This variant is not present in population databases (gnomAD no frequency). This variant has not been reported in the literature in individuals affected with STN1-related conditions. Advanced modeling of protein sequence and biophysical properties (such as structural, functional, and spatial information, amino acid conservation, physicochemical variation, residue mobility, and thermodynamic stability) performed at Invitae indicates that this missense variant is expected to disrupt STN1 protein function with a positive predictive value of 80%. In summary, the available evidence is currently insufficient to determine the role of this variant in disease. Therefore, it has been classified as a Variant of Uncertain Significance.